The following is an entry in ClinVar:

ClinVar aggregate classification (germline): Uncertain significance. Review status: criteria provided, multiple submitters, no conflicts (2 of 4 stars). 2 submissions from 2 submitters: Uncertain significance (2). Last evaluated 2022-08-28.

Conditions:
Hereditary antithrombin deficiency (AT3D). Also called: Antithrombin III deficiency; Thrombophilia due to antithrombin III deficiency; Reduced antithrombin III activity; Antithrombin deficiency. Identifiers: Orphanet 82, MedGen C0272375, MONDO:0013144, OMIM 613118, HP:0001976.

Submissions (2):

Labcorp Genetics (formerly Invitae), Labcorp
Classification: Uncertain significance for Hereditary antithrombin deficiency. Last evaluated: 2022-08-28. Review status: criteria provided, single submitter. Criteria: Invitae Variant Classification Sherloc (09022015). Collection method: clinical testing. Allele origin: germline.
Comment: In summary, the available evidence is currently insufficient to determine the role of this variant in disease. Therefore, it has been classified as a Variant of Uncertain Significance. This variant disrupts the p.Phe90 amino acid residue in SERPINC1. Other variant(s) that disrupt this residue have been observed in individuals with SERPINC1-related conditions (PMID: 29153735), which suggests that this may be a clinically significant amino acid residue. Algorithms developed to predict the effect of missense changes on protein structure and function (SIFT, PolyPhen-2, Align-GVGD) all suggest that this variant is likely to be disruptive. This missense change has been observed in individual(s) with antithrombin III deficiency (PMID: 31030036; Invitae). This variant is not present in population databases (gnomAD no frequency). This sequence change replaces phenylalanine, which is neutral and non-polar, with cysteine, which is neutral and slightly polar, at codon 90 of the SERPINC1 protein (p.Phe90Cys).

Revvity Omics, Revvity
Classification: Uncertain significance for Hereditary antithrombin deficiency. Last evaluated: 2021-06-16. Review status: criteria provided, single submitter. Criteria: ACMG Guidelines, 2015. Collection method: clinical testing. Allele origin: germline.

Literature cited by the submitters: PubMed 29153735 (cited by Labcorp Genetics (formerly Invitae), Labcorp); PubMed 31030036 (cited by Labcorp Genetics (formerly Invitae), Labcorp).

NM_000488.4(SERPINC1):c.269T>G (p.Phe90Cys)

Gene: SERPINC1 (serpin family C member 1; minus strand). Cytogenetic location: 1q25.1.
Variant type: single nucleotide variant.
Coding change: c.269T>G on transcript NM_000488.4 (MANE Select); coding-DNA position 269, T replaced by G.
Protein change: p.Phe90Cys; replaces phenylalanine 90 with cysteine.
Molecular consequence: missense variant.
Genome position (GRCh38, 1-based): chr1:173,914,692, A>C on the plus strand (T>G on the coding strand, the complement: SERPINC1 is on the minus strand). VCF-style: chr1-173914692-A-C. GRCh37 (hg19) VCF-style: chr1-173883830-A-C.
Other names: c.125T>G, p.Phe42Cys (NM_001365052.2); c.269T>G, p.Phe90Cys (NM_001386302.1, NM_001386304.1, NM_001386305.1 and 1 more transcripts); c.350T>G, p.Phe117Cys (NM_001386303.1); short protein forms F117C, F42C, F90C.
Identifiers: ClinVar variation 2418854 (VCV002418854.9), dbSNP rs2526594931, ClinGen allele CA343777713.